The following is an entry in ClinVar:

NM_000053.4(ATP7B):c.2338C>G (p.Leu780Val)

Gene: ATP7B (ATPase copper transporting beta; minus strand). Cytogenetic location: 13q14.3.
Variant type: single nucleotide variant.
Coding change: c.2338C>G on transcript NM_000053.4 (MANE Select); coding-DNA position 2338, C replaced by G.
Protein change: p.Leu780Val; replaces leucine 780 with valine.
Molecular consequence: missense variant. On other transcripts: intron variant (2).
Genome position (GRCh38, 1-based): chr13:51,958,328, G>C on the plus strand (C>G on the coding strand, the complement: ATP7B is on the minus strand). VCF-style: chr13-51958328-G-C. GRCh37 (hg19) VCF-style: chr13-52532464-G-C.
Other names: c.2005C>G, p.Leu669Val (NM_001243182.2); c.2086C>G, p.Leu696Val (NM_001330579.2); c.1870-721C>G (NM_001005918.3); c.2122-721C>G (NM_001330578.2); short protein forms L669V, L696V, L780V.
Identifiers: ClinVar variation 664367 (VCV000664367.8), dbSNP rs1593725352, ClinGen allele CA388020478.

ClinVar aggregate classification (germline): Uncertain significance (1 of 4 stars; one submission).

Conditions:
Wilson disease (WND). Also called: Wilson's disease. Identifiers: Orphanet 905, MedGen C0019202, MONDO:0010200, OMIM 277900. Disease mechanism: loss of function.

Submission:

Labcorp Genetics (formerly Invitae), Labcorp
Classification: Uncertain significance for Wilson disease. Last evaluated: 2021-08-30. Review status: criteria provided, single submitter. Criteria: Invitae Variant Classification Sherloc (09022015). Collection method: clinical testing. Allele origin: germline.
Comment: In summary, the available evidence is currently insufficient to determine the role of this variant in disease. Therefore, it has been classified as a Variant of Uncertain Significance. Advanced modeling of protein sequence and biophysical properties (such as structural, functional, and spatial information, amino acid conservation, physicochemical variation, residue mobility, and thermodynamic stability) performed at Invitae indicates that this missense variant is expected to disrupt ATP7B protein function. ClinVar contains an entry for this variant (Variation ID: 664367). This variant has been observed in individual(s) with Wilson disease (Invitae). This variant is not present in population databases (ExAC no frequency). This sequence change replaces leucine with valine at codon 780 of the ATP7B protein (p.Leu780Val). The leucine residue is highly conserved and there is a small physicochemical difference between leucine and valine.